The following is an entry in ClinVar:

NM_030799.9(YIPF5):c.766G>A (p.Val256Ile)

Gene: YIPF5 (Yip1 domain family member 5; minus strand). Cytogenetic location: 5q31.3.
Variant type: single nucleotide variant.
Coding change: c.766G>A on transcript NM_030799.9 (MANE Select); coding-DNA position 766, G replaced by A.
Protein change: p.Val256Ile; replaces valine 256 with isoleucine.
Molecular consequence: missense variant.
Genome position (GRCh38, 1-based): chr5:144,160,405, C>T on the plus strand (G>A on the coding strand, the complement: YIPF5 is on the minus strand). VCF-style: chr5-144160405-C-T. GRCh37 (hg19) VCF-style: chr5-143539969-C-T.
Other names: c.766G>A, p.Val256Ile (NM_001024947.4); c.604G>A, p.Val202Ile (NM_001271732.2); short protein forms V202I, V256I.
Identifiers: ClinVar variation 2655874 (VCV002655874.24), dbSNP rs147304369, ClinGen allele CA3487241.

ClinVar aggregate classification (germline): Benign (1 of 4 stars; one submission).

Allele frequency attached by ClinVar (database versions not stated): 1000 Genomes Project 0.00220; 1000 Genomes Project 30x 0.00250; ExAC 0.00589; ESP Exome Variant Server 0.00777; gnomAD exomes 0.00931.
gnomAD v4.1: 14,443 of 1,611,456 alleles (0.9%); highest among the groups gnomAD compares: Middle Eastern, 1.4%; 98 homozygotes.

Submission:

CeGaT Center for Human Genetics Tuebingen
Classification: Benign. Last evaluated: 2026-08-01. Review status: criteria provided, single submitter. Criteria: CeGaT Center For Human Genetics Tuebingen Variant Classification Criteria Version 2. Collection method: clinical testing. Allele origin: germline. Affected: yes. Observed: 11 variant alleles.
Comment: YIPF5: BP4, BS1, BS2